The following is an entry in ClinVar:

ClinVar aggregate classification (germline): Pathogenic/Likely pathogenic. Review status: criteria provided, multiple submitters, no conflicts (2 of 4 stars). 2 submissions from 2 submitters: Pathogenic (1); Likely pathogenic (1). Last evaluated 2026-09-08.

Conditions:
Fabry disease. Also called: ALPHA-GALACTOSIDASE A DEFICIENCY; CERAMIDE TRIHEXOSIDASE DEFICIENCY; GLA DEFICIENCY; HEREDITARY DYSTOPIC LIPIDOSIS; Angiokeratoma corporis diffusum; Fabry's disease. Identifiers: Orphanet 324, MedGen C0002986, MONDO:0010526, OMIM 301500, HP:0001071. Disease mechanism: loss of function, Fabry disease is due to inactivating mutations in the X-linked GLA gene resulting in deficiency of the enzyme Alpha Galactosidase-A..

Submissions (2):

Genomenon, Inc
Classification: Pathogenic for Fabry disease. Last evaluated: 2026-09-08. Review status: criteria provided, single submitter. Criteria: Genomenon Sequence Variant Interpretation Standards - Updated. Collection method: curation. Allele origin: germline. Affected: no.
Comment: GLA p.Trp226Arg (c.676T>A) is a missense variant that changes the amino acid at codon 226 from Tryptophan to Arginine. To our knowledge, this variant has not been reported in patients affected with Fabry disease in the published literature. At least one functional study has demonstrated a substantial alteration in protein function relative to the wild-type (PMID:32023956). Another cDNA change that causes the same protein consequence has been determined to be pathogenic or likely pathogenic. This variant is located in a mutational hotspot and/or important functional domain. It is absent or not present at a significant frequency in gnomAD. In silico models predict that this variant is possibly or probably damaging. In conclusion, we classify GLA p.Trp226Arg (c.676T>A) as a pathogenic variant.

Clinical Genetics and Genomics, Karolinska University Hospital
Classification: Likely pathogenic. Last evaluated: 2017-10-09. Review status: criteria provided, single submitter. Criteria: ACMG Guidelines, 2015. Collection method: clinical testing. Allele origin: germline. Affected: yes. Observed: 1 variant allele.

Literature cited by the submitters: PubMed 32023956 (cited by Genomenon, Inc).

NM_000169.3(GLA):c.676T>A (p.Trp226Arg)

Genes: GLA (galactosidase alpha; minus strand), RPL36A-HNRNPH2 (RPL36A-HNRNPH2 readthrough; plus strand). Cytogenetic location: Xq22.1.
Variant type: single nucleotide variant.
Coding change: c.676T>A on transcript NM_000169.3 (MANE Select); coding-DNA position 676, T replaced by A.
Protein change: p.Trp226Arg; replaces tryptophan 226 with arginine.
Molecular consequence: missense variant. On other transcripts: non-coding transcript variant (3), intron variant (2).
Genome position (GRCh38, 1-based): chrX:101,398,910, A>T on the plus strand (T>A on the coding strand, the complement: GLA is on the minus strand). VCF-style: chrX-101398910-A-T. GRCh37 (hg19) VCF-style: chrX-100653898-A-T.
Other names: c.799T>A, p.Trp267Arg (NM_001406747.1); c.676T>A, p.Trp226Arg (NM_001406748.1); c.300+3453A>T (NM_001199973.2); c.177+7088A>T (NM_001199974.2); short protein forms W226R, W267R.
Identifiers: ClinVar variation 988316 (VCV000988316.3), dbSNP rs1928196393, ClinGen allele CA413924928.
Genomic context (GRCh38, chrX:101,398,910, plus strand): 5'-TCCAGTCCAAGATACTCTTTATACTTTTCCAGGAATCATCAATGTCAGCAAAATTTCGCC[A>T]GTGATTGCAGTACTGTCGGATTTCTGTATAATTGGGCTGTGAAAACAGATATGACTCTTC-3'
Protein context (NP_000160.1, residues 216-236): YTEIRQYCNH[Trp226Arg]RNFADIDDSW